The following is an entry in ClinVar:

ClinVar aggregate classification (germline): Benign (1 of 4 stars; one submission).

Conditions:
Familial cancer of breast. Also called: BREAST CANCER, FAMILIAL; Hereditary breast cancer; hereditary breast carcinoma. Identifiers: Orphanet 227535, MedGen C0346153, MONDO:0016419, OMIM 114480. Disease mechanism: loss of function.

Submission:

Myriad Genetics, Inc.
Classification: Benign for Familial cancer of breast. Last evaluated: 2024-10-01. Review status: criteria provided, single submitter. Criteria: Myriad Autosomal Dominant, Autosomal Recessive and X-Linked Classification Criteria (2023). Collection method: clinical testing. Allele origin: unknown.
Comment: This variant is considered benign. This variant occurs in the non-coding 3' untranslated region of the gene, and is not expected to impact protein function.

NM_000051.4(ATM):c.*2C>A

Genes: ATM (ATM serine/threonine kinase; plus strand), C11orf65 (chromosome 11 open reading frame 65; minus strand). Cytogenetic location: 11q22.3.
Variant type: single nucleotide variant.
Coding change: c.*2C>A on transcript NM_000051.4 (MANE Select); 2 bases downstream of the stop codon, C replaced by A.
Molecular consequence: 3 prime UTR variant. On other transcripts: intron variant (2).
Genome position (GRCh38, 1-based): chr11:108,365,510, C>A. VCF-style: chr11-108365510-C-A. GRCh37 (hg19) VCF-style: chr11-108236237-C-A.
Other names: c.*2C>A (NM_001351834.2); c.640+20410G>T (NM_001330368.2); c.694+20410G>T (NM_001351110.2).
Identifiers: ClinVar variation 3772887 (VCV003772887.1).